The following is an entry in ClinVar:

ClinVar aggregate classification (germline): Uncertain significance. Review status: criteria provided, multiple submitters, no conflicts (2 of 4 stars). 2 submissions from 2 submitters: Uncertain significance (2). Last evaluated 2024-03-06.

Conditions:
Cardiomyopathy (CMYO). Also called: Cardiomyopathies. Identifiers: Orphanet 167848, MedGen C0878544, MONDO:0004994, HP:0001638. Inheritance: Various modes of inheritance.
Arrhythmogenic right ventricular dysplasia 8 (ARVD8). Also called: ARRHYTHMOGENIC RIGHT VENTRICULAR DYSPLASIA, FAMILIAL, 8; ARRHYTHMOGENIC RIGHT VENTRICULAR CARDIOMYOPATHY 8; Arrhythmogenic Right Ventricular Dysplasia/Cardiomyopathy 8. Identifiers: MedGen C1843896, MONDO:0011831, OMIM 607450.
Arrhythmogenic cardiomyopathy with wooly hair and keratoderma. Also called: Carvajal syndrome; Dilated cardiomyopathy with woolly hair and keratoderma; PALMOPLANTAR KERATODERMA WITH LEFT VENTRICULAR CARDIOMYOPATHY AND WOOLLY HAIR; Arrhythmogenic cardiomyopathy with woolly hair and keratoderma. Identifiers: Orphanet 65282, MedGen C1854063, MONDO:0011581, OMIM 605676.

Allele frequency attached by ClinVar (database versions not stated): gnomAD exomes below 0.00001.
gnomAD v4.1: 4 of 1,614,160 alleles (0.00025%); highest among the groups gnomAD compares: Non-Finnish European, 0.00034%; no homozygotes.

Submissions (2):

Color Diagnostics, LLC DBA Color Health
Classification: Uncertain significance for Cardiomyopathy. Last evaluated: 2024-03-06. Review status: criteria provided, single submitter. Criteria: ACMG Guidelines, 2015. Collection method: clinical testing. Allele origin: germline.
Comment: This missense variant replaces glutamic acid with aspartic acid at codon 1543 of the DSP protein. Computational prediction suggests that this variant may not impact protein structure and function (internally defined REVEL score threshold <= 0.5, PMID: 27666373). To our knowledge, functional studies have not been reported for this variant. This variant has not been reported in individuals affected with cardiovascular disorders in the literature. This variant has not been identified in the general population by the Genome Aggregation Database (gnomAD). The available evidence is insufficient to determine the role of this variant in disease conclusively. Therefore, this variant is classified as a Variant of Uncertain Significance.

Labcorp Genetics (formerly Invitae), Labcorp
Classification: Uncertain significance for Arrhythmogenic cardiomyopathy with wooly hair and keratoderma; Arrhythmogenic right ventricular dysplasia 8. Last evaluated: 2022-03-23. Review status: criteria provided, single submitter. Criteria: Invitae Variant Classification Sherloc (09022015). Collection method: clinical testing. Allele origin: germline.
Comment: In summary, the available evidence is currently insufficient to determine the role of this variant in disease. Therefore, it has been classified as a Variant of Uncertain Significance. Algorithms developed to predict the effect of missense changes on protein structure and function (SIFT, PolyPhen-2, Align-GVGD) all suggest that this variant is likely to be disruptive. ClinVar contains an entry for this variant (Variation ID: 849442). This variant has not been reported in the literature in individuals affected with DSP-related conditions. This variant is not present in population databases (gnomAD no frequency). This sequence change replaces glutamic acid, which is acidic and polar, with aspartic acid, which is acidic and polar, at codon 1543 of the DSP protein (p.Glu1543Asp).

NM_004415.4(DSP):c.4629A>C (p.Glu1543Asp)

Gene: DSP (desmoplakin; plus strand). Cytogenetic location: 6p24.3.
Variant type: single nucleotide variant.
Coding change: c.4629A>C on transcript NM_004415.4 (MANE Select); coding-DNA position 4629, A replaced by C.
Protein change: p.Glu1543Asp; replaces glutamic acid 1543 with aspartic acid.
Molecular consequence: missense variant. On other transcripts: intron variant (2).
Genome position (GRCh38, 1-based): chr6:7,580,819, A>C. VCF-style: chr6-7580819-A-C. GRCh37 (hg19) VCF-style: chr6-7581052-A-C.
Other names: c.4050+579A>C (NM_001319034.2); c.3582+1047A>C (NM_001008844.3); short protein forms E1543D.
Identifiers: ClinVar variation 849442 (VCV000849442.12), dbSNP rs1759410036, ClinGen allele CA362686816.